The following is an entry in ClinVar:

NM_001077350.3(NPRL3):c.1085C>T (p.Pro362Leu)

Genes: HBA-LCR (alpha-globin locus control region; plus strand), NPRL3 (NPR3 like, GATOR1 complex subunit; minus strand). Cytogenetic location: 16p13.3.
Variant type: single nucleotide variant.
Coding change: c.1085C>T on transcript NM_001077350.3 (MANE Select); coding-DNA position 1085, C replaced by T.
Protein change: p.Pro362Leu; replaces proline 362 with leucine.
Molecular consequence: missense variant.
Genome position (GRCh38, 1-based): chr16:92,672, G>A on the plus strand (C>T on the coding strand, the complement: NPRL3 is on the minus strand). VCF-style: chr16-92672-G-A. GRCh37 (hg19) VCF-style: chr16-142670-G-A.
Other names: c.548C>T, p.Pro183Leu (NM_001039476.3); c.851C>T, p.Pro284Leu (NM_001243247.2); c.1010C>T, p.Pro337Leu (NM_001243248.2, NM_001243249.2); short protein forms P284L, P183L, P337L, P362L.
Identifiers: ClinVar variation 934907 (VCV000934907.34), dbSNP rs763923760, ClinGen allele CA7769457.

ClinVar aggregate classification (germline): Uncertain significance. Review status: criteria provided, multiple submitters, no conflicts (2 of 4 stars). 3 submissions from 3 submitters: Uncertain significance (3). Last evaluated 2025-03-03.

Conditions:
Epilepsy, familial focal, with variable foci 3 (FFEVF3). Identifiers: MedGen C4310708, MONDO:0014925, OMIM 617118.
Inborn genetic diseases. Identifiers: MedGen C0950123, MeSH D030342.

Allele frequency attached by ClinVar (database versions not stated): gnomAD 0.00005; TOPMed 0.00005.
gnomAD v4.1: 42 of 1,613,732 alleles (0.0026%); highest among the groups gnomAD compares: Admixed American, 0.01%; no homozygotes.

Submissions (3):

Labcorp Genetics (formerly Invitae), Labcorp
Classification: Uncertain significance for Epilepsy, familial focal, with variable foci 3. Last evaluated: 2025-03-03. Review status: criteria provided, single submitter. Criteria: Invitae Variant Classification Sherloc (09022015). Collection method: clinical testing. Allele origin: germline.
Comment: This sequence change replaces proline, which is neutral and non-polar, with leucine, which is neutral and non-polar, at codon 362 of the NPRL3 protein (p.Pro362Leu). This variant is present in population databases (rs763923760, gnomAD 0.01%). This variant has not been reported in the literature in individuals affected with NPRL3-related conditions. ClinVar contains an entry for this variant (Variation ID: 934907). Invitae Evidence Modeling of protein sequence and biophysical properties (such as structural, functional, and spatial information, amino acid conservation, physicochemical variation, residue mobility, and thermodynamic stability) indicates that this missense variant is not expected to disrupt NPRL3 protein function with a negative predictive value of 80%. In summary, the available evidence is currently insufficient to determine the role of this variant in disease. Therefore, it has been classified as a Variant of Uncertain Significance.

CeGaT Center for Human Genetics Tuebingen
Classification: Uncertain significance. Last evaluated: 2022-09-01. Review status: criteria provided, single submitter. Criteria: CeGaT Center For Human Genetics Tuebingen Variant Classification Criteria Version 2. Collection method: clinical testing. Allele origin: germline. Affected: yes. Observed: 1 variant allele.

Ambry Genetics
Classification: Uncertain significance for Inborn genetic diseases. Last evaluated: 2022-04-22. Review status: criteria provided, single submitter. Criteria: Ambry Variant Classification Scheme 2023. Collection method: clinical testing. Allele origin: germline.